The following is an entry in ClinVar:

ClinVar aggregate classification (germline): Uncertain significance. Review status: criteria provided, multiple submitters, no conflicts (2 of 4 stars). 2 submissions from 2 submitters: Uncertain significance (2). Last evaluated 2024-05-29.

Allele frequency attached by ClinVar (database versions not stated): gnomAD exomes below 0.00001; gnomAD 0.00001; TOPMed 0.00001.
gnomAD v4.1: 4 of 1,614,116 alleles (0.00025%); highest among the groups gnomAD compares: Admixed American, 0.005%; no homozygotes.

Submissions (2):

GeneDx
Classification: Uncertain significance. Last evaluated: 2024-05-29. Review status: criteria provided, single submitter. Criteria: GeneDx Variant Classification Process June 2021. Collection method: clinical testing. Allele origin: germline. Affected: yes.
Comment: Not observed at significant frequency in large population cohorts (gnomAD); In silico analysis supports that this missense variant has a deleterious effect on protein structure/function; Has not been previously published as pathogenic or benign to our knowledge

Labcorp Genetics (formerly Invitae), Labcorp
Classification: Uncertain significance. Last evaluated: 2023-11-13. Review status: criteria provided, single submitter. Criteria: Invitae Variant Classification Sherloc (09022015). Collection method: clinical testing. Allele origin: germline.
Comment: This sequence change replaces asparagine, which is neutral and polar, with aspartic acid, which is acidic and polar, at codon 366 of the AFG3L2 protein (p.Asn366Asp). This variant is present in population databases (no rsID available, gnomAD 0.003%). This variant has not been reported in the literature in individuals affected with AFG3L2-related conditions. Advanced modeling of protein sequence and biophysical properties (such as structural, functional, and spatial information, amino acid conservation, physicochemical variation, residue mobility, and thermodynamic stability) performed at Invitae indicates that this missense variant is not expected to disrupt AFG3L2 protein function with a negative predictive value of 95%. In summary, the available evidence is currently insufficient to determine the role of this variant in disease. Therefore, it has been classified as a Variant of Uncertain Significance.

NM_006796.3(AFG3L2):c.1096A>G (p.Asn366Asp)

Gene: AFG3L2 (AFG3 like matrix AAA peptidase subunit 2; minus strand). Cytogenetic location: 18p11.21.
Variant type: single nucleotide variant.
Coding change: c.1096A>G on transcript NM_006796.3 (MANE Select); coding-DNA position 1096, A replaced by G.
Protein change: p.Asn366Asp; replaces asparagine 366 with aspartic acid.
Molecular consequence: missense variant.
Genome position (GRCh38, 1-based): chr18:12,356,762, T>C on the plus strand (A>G on the coding strand, the complement: AFG3L2 is on the minus strand). VCF-style: chr18-12356762-T-C. GRCh37 (hg19) VCF-style: chr18-12356761-T-C.
Other names: short protein forms N366D.
Identifiers: ClinVar variation 2984591 (VCV002984591.4), dbSNP rs1326471610, ClinGen allele CA401953210.